The following is an entry in ClinVar:

ClinVar aggregate classification (germline): Uncertain significance (1 of 4 stars; one submission).

Allele frequency attached by ClinVar (database versions not stated): gnomAD exomes below 0.00001.

Submission:

Labcorp Genetics (formerly Invitae), Labcorp
Classification: Uncertain significance. Last evaluated: 2024-10-24. Review status: criteria provided, single submitter. Criteria: Invitae Variant Classification Sherloc (09022015). Collection method: clinical testing. Allele origin: germline.
Comment: This sequence change replaces leucine, which is neutral and non-polar, with valine, which is neutral and non-polar, at codon 372 of the ARHGEF1 protein (p.Leu372Val). This variant is not present in population databases (gnomAD no frequency). This variant has not been reported in the literature in individuals affected with ARHGEF1-related conditions. ClinVar contains an entry for this variant (Variation ID: 1969176). An algorithm developed to predict the effect of missense changes on protein structure and function (PolyPhen-2) suggests that this variant is likely to be disruptive. In summary, the available evidence is currently insufficient to determine the role of this variant in disease. Therefore, it has been classified as a Variant of Uncertain Significance.

NM_004706.4(ARHGEF1):c.1069C>G (p.Leu357Val)

Gene: ARHGEF1 (Rho guanine nucleotide exchange factor 1; plus strand). Cytogenetic location: 19q13.2.
Variant type: single nucleotide variant.
Coding change: c.1069C>G on transcript NM_004706.4 (MANE Select); coding-DNA position 1069, C replaced by G.
Protein change: p.Leu357Val; replaces leucine 357 with valine.
Molecular consequence: missense variant. On other transcripts: non-coding transcript variant (2).
Genome position (GRCh38, 1-based): chr19:41,896,430, C>G. VCF-style: chr19-41896430-C-G. GRCh37 (hg19) VCF-style: chr19-42400503-C-G.
Other names: c.1069C>G, p.Leu357Val (NM_001396000.1, NM_001396003.1, NM_001396006.1); c.970C>G, p.Leu324Val (NM_001396002.1, NM_001396004.1, NM_198977.2); c.1114C>G, p.Leu372Val (NM_199002.2); short protein forms L357V, L372V, L324V.
Identifiers: ClinVar variation 1969176 (VCV001969176.5), dbSNP rs2513827285, ClinGen allele CA406055982.